The following is an entry in ClinVar:

NM_000350.3(ABCA4):c.6318_6320delinsTTCC (p.Arg2107fs)

Gene: ABCA4 (ATP binding cassette subfamily A member 4; minus strand). Cytogenetic location: 1p22.1.
Variant type: Indel.
Coding change: c.6318_6320delinsTTCC on transcript NM_000350.3 (MANE Select); coding-DNA positions 6318 to 6320, CCG replaced by TTCC.
Protein change: p.Arg2107fs; shifts the reading frame from arginine 2107.
Molecular consequence: frameshift variant.
Genome position (GRCh38, 1-based): chr1:94,001,068-94,001,070, CGG replaced by GGAA on the plus strand (CCG replaced by TTCC on the coding strand, the reverse complement: ABCA4 is on the minus strand). VCF-style: chr1-94001068-CGG-GGAA. GRCh37 (hg19) VCF-style: chr1-94466624-CGG-GGAA.
Other names: c.6096_6098delinsTTCC, p.Arg2033fs (NM_001425324.1); short protein forms R2033fs, R2107fs.
Identifiers: ClinVar variation 4854578 (VCV004854578.1).

ClinVar aggregate classification (germline): Likely pathogenic (1 of 4 stars; one submission).

Conditions:
ABCA4-related disorder. Also called: ABCA4-related condition; ABCA4-related disorders. Identifiers: MedGen CN239167.

Submission:

3billion
Classification: Likely pathogenic for ABCA4-related disorder. Last evaluated: 2025-10-14. Review status: criteria provided, single submitter. Criteria: ACMG Guidelines, 2015. Collection method: clinical testing. Allele origin: germline. Affected: yes.
Comment: The variant is not observed in the gnomAD v4.1.0 dataset. Predicted Consequence/Location: Frameshift: predicted to result in a loss or disruption of normal protein function through nonsense-mediated decay (NMD) or protein truncation. Multiple pathogenic variants are reported downstream of the variant. Therefore, this variant is classified as Likely pathogenic according to the recommendation of ACMG/AMP guideline.